The following is an entry in ClinVar:

ClinVar aggregate classification (germline): Conflicting classifications of pathogenicity. Review status: criteria provided, conflicting classifications (1 of 4 stars). 7 submissions from 7 submitters: Uncertain significance (3); Benign (1); Likely benign (3). Last evaluated 2026-01-11.

Conditions:
Collagen 6-related myopathy. Identifiers: MedGen CN117976, MONDO:0100225.
Bethlem myopathy 1A. Also called: Bethlem myopathy 1; Bethlem Muscular Dystrophy; MYOPATHY, BENIGN CONGENITAL, WITH CONTRACTURES. Identifiers: Orphanet 610, MedGen CN029274, MONDO:0024530, OMIM 158810.

Allele frequency attached by ClinVar (database versions not stated): gnomAD 0.00026 and 0.00028; gnomAD exomes 0.00029 and 0.00038; ExAC 0.00034; ESP Exome Variant Server 0.00038; TOPMed 0.00044.

Submissions (7):

Labcorp Genetics (formerly Invitae), Labcorp
Classification: Likely benign for Bethlem myopathy 1A. Last evaluated: 2026-01-11. Review status: criteria provided, single submitter. Criteria: Invitae Variant Classification Sherloc (09022015). Collection method: clinical testing. Allele origin: germline.

GeneDx
Classification: Uncertain significance. Last evaluated: 2025-08-13. Review status: criteria provided, single submitter. Criteria: GeneDx Variant Classification Process June 2021. Collection method: clinical testing. Allele origin: germline. Affected: yes.
Comment: Reported in heterozygous state as a variant of uncertain significance in an individual with suspected limb girdle muscular dystrophy (PMID: 30564623); In silico analysis suggests that this missense variant does not alter protein structure/function; This variant is associated with the following publications: (PMID: 30564623)

Mayo Clinic Laboratories, Mayo Clinic
Classification: Likely benign. Last evaluated: 2025-08-09. Review status: criteria provided, single submitter. Criteria: ACMG Guidelines, 2015. Collection method: clinical testing. Allele origin: germline. Observed: 2 variant alleles.
Comment: BS1, BP4

Women's Health and Genetics/Laboratory Corporation of America, LabCorp
Classification: Uncertain significance. Last evaluated: 2024-10-17. Review status: criteria provided, single submitter. Criteria: LabCorp Variant Classification Summary - May 2015. Collection method: clinical testing. Allele origin: germline.
Comment: Variant summary: COL6A1 c.3029A>G (p.Gln1010Arg) results in a conservative amino acid change located in the von Willebrand factor, type A domain (IPR002035) of the encoded protein sequence. Five of five in-silico tools predict a benign effect of the variant on protein function. The variant allele was found at a frequency of 0.00029 in 1612596 control chromosomes (gnomAD). This frequency is not significantly higher than estimated for a pathogenic variant in COL6A1 causing Ullrich congenital muscular dystrophy 1 (0.00029 vs 0.0035), allowing no conclusion about variant significance. c.3029A>G has been reported in the literature in at least an individual with clinically suspected limbgirdle muscular dystrophy (example: Nallamilli_2018). This report does not provide unequivocal conclusions about association of the variant with Ullrich congenital muscular dystrophy 1. To our knowledge, no experimental evidence demonstrating an impact on protein function has been reported. The following publication has been ascertained in the context of this evaluation (PMID: 30564623). ClinVar contains an entry for this variant (Variation ID: 286824). Based on the evidence outlined above, the variant was classified as uncertain significance.

CeGaT Center for Human Genetics Tuebingen
Classification: Uncertain significance. Last evaluated: 2023-05-01. Review status: criteria provided, single submitter. Criteria: CeGaT Center For Human Genetics Tuebingen Variant Classification Criteria Version 2. Collection method: clinical testing. Allele origin: germline. Affected: yes. Observed: 1 variant allele.

Illumina Laboratory Services, Illumina
Classification: Benign for Collagen VI-related myopathy. Last evaluated: 2018-01-13. Review status: criteria provided, single submitter. Criteria: ICSL Variant Classification Criteria 13 December 2019. Collection method: clinical testing. Allele origin: germline.
Comment: This variant was observed in the ICSL laboratory as part of a predisposition screen in an ostensibly healthy population. It had not been previously curated by ICSL or reported in the Human Gene Mutation Database (HGMD: prior to June 1st, 2018), and was therefore a candidate for classification through an automated scoring system. Utilizing variant allele frequency, disease prevalence and penetrance estimates, and inheritance mode, an automated score was calculated to assess if this variant is too frequent to cause the disease. Based on the score and internal cut-off values, a variant classified as benign is not then subjected to further curation. The score for this variant resulted in a classification of benign for this disease.

Eurofins Ntd Llc (ga)
Classification: Likely benign. Last evaluated: 2017-05-04. Review status: criteria provided, single submitter. Criteria: EGL Classification Definitions 2015. Collection method: clinical testing. Allele origin: germline. Observed: 4 variant alleles, 4 heterozygotes.

Literature cited by the submitters: PubMed 30564623 (cited by Mayo Clinic Laboratories, Mayo Clinic and Women's Health and Genetics/Laboratory Corporation of America, LabCorp).

NM_001848.3(COL6A1):c.3029A>G (p.Gln1010Arg)

Gene: COL6A1 (collagen type VI alpha 1 chain; plus strand). Cytogenetic location: 21q22.3.
Variant type: single nucleotide variant.
Coding change: c.3029A>G on transcript NM_001848.3 (MANE Select); coding-DNA position 3029, A replaced by G.
Protein change: p.Gln1010Arg; replaces glutamine 1010 with arginine.
Molecular consequence: missense variant.
Genome position (GRCh38, 1-based): chr21:46,003,955, A>G. VCF-style: chr21-46003955-A-G. GRCh37 (hg19) VCF-style: chr21-47423869-A-G.
Other names: p.Gln1010Arg; short protein forms Q1010R.
Identifiers: ClinVar variation 286824 (VCV000286824.47), dbSNP rs141605607, ClinGen allele CA10071111.
Genomic context (GRCh38, chr21:46,003,955, plus strand): 5'-AGACGGCCGAGTACGACGTGGCCTACGGCGAGAGCCACCTGTTCCGTGTCCCCAGCTACC[A>G]GGCCCTGCTCCGCGGTGTCTTCCACCAGACAGTCTCCAGGAAGGTGGCGCTGGGCTAGCC-3'
Protein context (NP_001839.2, residues 1000-1020): ESHLFRVPSY[Gln1010Arg]ALLRGVFHQT